The following is an entry in ClinVar:

NM_000059.4(BRCA2):c.1967C>T (p.Thr656Ile)

Gene: BRCA2 (BRCA2 DNA repair associated; plus strand). Cytogenetic location: 13q13.1.
Variant type: single nucleotide variant.
Coding change: c.1967C>T on transcript NM_000059.4 (MANE Select); coding-DNA position 1967, C replaced by T.
Protein change: p.Thr656Ile; replaces threonine 656 with isoleucine.
Molecular consequence: missense variant.
Genome position (GRCh38, 1-based): chr13:32,336,322, C>T. VCF-style: chr13-32336322-C-T. GRCh37 (hg19) VCF-style: chr13-32910459-C-T.
Other names: short protein forms T656I.
Identifiers: ClinVar variation 845197 (VCV000845197.15), dbSNP rs876660857, ClinGen allele CA387768521.
Genomic context (GRCh38, chr13:32,336,322, plus strand): 5'-TAGGTTTATTGCATTCTTCTGTGAAAAGAAGCTGTTCACAGAATGATTCTGAAGAACCAA[C>T]TTTGTCCTTAACTAGCTCTTTTGGGACAATTCTGAGGAAATGTTCTAGAAATGAAACATG-3'
Protein context (NP_000050.3, residues 646-666): SCSQNDSEEP[Thr656Ile]LSLTSSFGTI

ClinVar aggregate classification (germline): Conflicting classifications of pathogenicity. Review status: criteria provided, conflicting classifications (1 of 4 stars). 4 submissions from 4 submitters: Uncertain significance (3); Likely benign (1). Last evaluated 2025-10-27.

Conditions:
Hereditary breast ovarian cancer syndrome. Also called: Breast and ovarian cancer; Hereditary breast and ovarian cancer; Hereditary breast and/or ovarian cancer syndrome; BRCA1- and BRCA2-Associated Hereditary Breast and Ovarian Cancer; Hereditary breast and ovarian cancer syndrome; Hereditary breast and ovarian cancer syndrome (HBOC). Identifiers: Orphanet 145, MedGen C0677776, MeSH D061325, MONDO:0003582. Disease mechanism: loss of function.
Pancreatic cancer, susceptibility to, 2. Identifiers: Orphanet 1333, MedGen C3150546, MONDO:0013235, OMIM 613347.
Hereditary cancer-predisposing syndrome. Also called: Tumor predisposition; Hereditary neoplastic syndrome; Neoplastic Syndromes, Hereditary; Hereditary Cancer Syndrome. Identifiers: Orphanet 140162, MedGen C0027672, MeSH D009386, MONDO:0015356.

Allele frequency attached by ClinVar (database versions not stated): TOPMed below 0.00001; gnomAD 0.00001.
gnomAD v4.1: 1 of 1,603,204 alleles (0.000062%); highest among the groups gnomAD compares: African/African-American, 0.0013%; no homozygotes.

Submissions (4):

Labcorp Genetics (formerly Invitae), Labcorp
Classification: Uncertain significance for Hereditary breast ovarian cancer syndrome. Last evaluated: 2025-10-27. Review status: criteria provided, single submitter. Criteria: Invitae Variant Classification Sherloc (09022015). Collection method: clinical testing. Allele origin: germline.
Comment: This sequence change replaces threonine, which is neutral and polar, with isoleucine, which is neutral and non-polar, at codon 656 of the BRCA2 protein (p.Thr656Ile). This variant is not present in population databases (gnomAD no frequency). This variant has not been reported in the literature in individuals affected with BRCA2-related conditions. ClinVar contains an entry for this variant (Variation ID: 845197). Invitae Evidence Modeling of protein sequence and biophysical properties (such as structural, functional, and spatial information, amino acid conservation, physicochemical variation, residue mobility, and thermodynamic stability) indicates that this missense variant is not expected to disrupt BRCA2 protein function with a negative predictive value of 95%. In summary, the available evidence is currently insufficient to determine the role of this variant in disease. Therefore, it has been classified as a Variant of Uncertain Significance.

Ambry Genetics
Classification: Uncertain significance for Hereditary cancer-predisposing syndrome. Last evaluated: 2025-02-07. Review status: criteria provided, single submitter. Criteria: Ambry Variant Classification Scheme 2023. Collection method: clinical testing. Allele origin: germline.
Comment: The p.T656I variant (also known as c.1967C>T), located in coding exon 10 of the BRCA2 gene, results from a C to T substitution at nucleotide position 1967. The threonine at codon 656 is replaced by isoleucine, an amino acid with similar properties. This amino acid position is conserved. In addition, this alteration is predicted to be tolerated by in silico analysis. Since supporting evidence is limited at this time, the clinical significance of this alteration remains unclear.

University of Washington Department of Laboratory Medicine, University of Washington
Classification: Likely benign for Hereditary cancer-predisposing syndrome. Last evaluated: 2023-03-23. Review status: criteria provided, single submitter. Criteria: Dines et al. (Genet Med. 2020). Collection method: curation. Allele origin: germline.
Comment: Missense variant in a coldspot region where missense variants are very unlikely to be pathogenic (PMID:31911673).

BRCA2 exon 11 coldspot. Reclassification based on statistical prior probability.

Laboratorio de Genetica e Diagnostico Molecular, Hospital Israelita Albert Einstein
Classification: Uncertain significance for Pancreatic cancer, susceptibility to, 2. Last evaluated: 2022-12-14. Review status: criteria provided, single submitter. Criteria: ACMG Guidelines, 2015. Collection method: clinical testing. Allele origin: germline. Affected: yes. Observed: 1 variant allele.
Comment: ACMG classification criteria: PM2 moderated, BP4 supporting